The following is an entry in ClinVar:

ClinVar aggregate classification (germline): Uncertain significance (1 of 4 stars; one submission).

gnomAD v4.1: 2 of 1,612,878 alleles (0.00012%); highest among the groups gnomAD compares: Non-Finnish European, 0.00017%; no homozygotes.

Submission:

Ambry Genetics
Classification: Uncertain significance. Last evaluated: 2025-11-23. Review status: criteria provided, single submitter. Criteria: Ambry Variant Classification Scheme 2023. Collection method: clinical testing. Allele origin: germline.
Comment: The p.T256R variant (also known as c.767C>G), located in coding exon 7 of the RAD51B gene, results from a C to G substitution at nucleotide position 767. The threonine at codon 256 is replaced by arginine, an amino acid with similar properties. This amino acid position is conserved. In addition, this alteration is predicted to be deleterious by in silico analysis. Based on the available evidence, the clinical significance of this variant remains unclear.

NM_133510.4(RAD51B):c.767C>G (p.Thr256Arg)

Gene: RAD51B (RAD51 paralog B; plus strand). Cytogenetic location: 14q24.1.
Variant type: single nucleotide variant.
Coding change: c.767C>G on transcript NM_133510.4 (MANE Select); coding-DNA position 767, C replaced by G.
Protein change: p.Thr256Arg; replaces threonine 256 with arginine.
Molecular consequence: missense variant.
Genome position (GRCh38, 1-based): chr14:68,291,894, C>G. VCF-style: chr14-68291894-C-G. GRCh37 (hg19) VCF-style: chr14-68758611-C-G.
Other names: c.767C>G, p.Thr256Arg (NM_001321809.2, NM_001321810.2, NM_001321812.1 and 6 more transcripts); c.653C>G, p.Thr218Arg (NM_001321815.1); c.410C>G, p.Thr137Arg (NM_001321817.2); short protein forms T137R, T256R, T218R.
Identifiers: ClinVar variation 4575324 (VCV004575324.1).